The following is an entry in ClinVar:

ClinVar aggregate classification (germline): Uncertain significance (1 of 4 stars; one submission).

Conditions:
Autosomal dominant limb-girdle muscular dystrophy type 1G (LGMDD3). Also called: Limb-girdle muscular dystrophy, type 1G; MUSCULAR DYSTROPHY, LIMB-GIRDLE, AUTOSOMAL DOMINANT 3. Identifiers: Orphanet 55596, MedGen C1836765, MONDO:0012193, OMIM 609115.

Allele frequency attached by ClinVar (database versions not stated): gnomAD exomes 0.00002; gnomAD 0.00003; TOPMed 0.00005; 1000 Genomes Project 30x 0.00016.
gnomAD v4.1: 27 of 1,515,916 alleles (0.0018%); highest among the groups gnomAD compares: African/African-American, 0.0043%; no homozygotes.

Submission:

Labcorp Genetics (formerly Invitae), Labcorp
Classification: Uncertain significance for Autosomal dominant limb-girdle muscular dystrophy type 1G. Last evaluated: 2025-05-10. Review status: criteria provided, single submitter. Criteria: Invitae Variant Classification Sherloc (09022015). Collection method: clinical testing. Allele origin: germline.
Comment: This sequence change replaces histidine, which is basic and polar, with tyrosine, which is neutral and polar, at codon 60 of the HNRNPDL protein (p.His60Tyr). The frequency data for this variant in the population databases is considered unreliable, as metrics indicate poor data quality at this position in the gnomAD database. This variant has not been reported in the literature in individuals affected with HNRNPDL-related conditions. ClinVar contains an entry for this variant (Variation ID: 2067143). An algorithm developed to predict the effect of missense changes on protein structure and function (PolyPhen-2) suggests that this variant is likely to be tolerated. In summary, the available evidence is currently insufficient to determine the role of this variant in disease. Therefore, it has been classified as a Variant of Uncertain Significance.

NM_031372.4(HNRNPDL):c.178C>T (p.His60Tyr)

Gene: HNRNPDL (heterogeneous nuclear ribonucleoprotein D like; minus strand). Cytogenetic location: 4q21.22.
Variant type: single nucleotide variant.
Coding change: c.178C>T on transcript NM_031372.4 (MANE Select); coding-DNA position 178, C replaced by T.
Protein change: p.His60Tyr; replaces histidine 60 with tyrosine.
Molecular consequence: missense variant. On other transcripts: non-coding transcript variant (1).
Genome position (GRCh38, 1-based): chr4:82,429,513, G>A on the plus strand (C>T on the coding strand, the complement: HNRNPDL is on the minus strand). VCF-style: chr4-82429513-G-A. GRCh37 (hg19) VCF-style: chr4-83350666-G-A.
Other names: c.178C>T, p.His60Tyr (NM_001207000.1); short protein forms H60Y.
Identifiers: ClinVar variation 2067143 (VCV002067143.4), dbSNP rs988284711, ClinGen allele CA100599320.